The following is an entry in ClinVar:

ClinVar aggregate classification (germline): Pathogenic. Review status: criteria provided, single submitter (1 of 4 stars). 2 submissions from 2 submitters: Pathogenic (1). 1 of the submissions does not count toward it. Last evaluated 2023-04-07.

Conditions:
Neurofibromatosis, type 1 (NF1). Also called: Peripheral type neurofibromatosis; Neurofibromatosis, type I; VON RECKLINGHAUSEN DISEASE; NEUROFIBROMATOSIS, TYPE I, SOMATIC. Identifiers: Orphanet 636, MedGen C0027831, MONDO:0018975, OMIM 162200. Disease mechanism: loss of function.

Submissions (2):

Labcorp Genetics (formerly Invitae), Labcorp
Classification: Pathogenic for Neurofibromatosis, type 1. Last evaluated: 2023-04-07. Review status: criteria provided, single submitter. Criteria: Invitae Variant Classification Sherloc (09022015). Collection method: clinical testing. Allele origin: germline.
Comment: For these reasons, this variant has been classified as Pathogenic. ClinVar contains an entry for this variant (Variation ID: 1048683). This variant has not been reported in the literature in individuals affected with NF1-related conditions. This variant is not present in population databases (gnomAD no frequency). This sequence change creates a premature translational stop signal (p.Ser641Valfs*47) in the NF1 gene. It is expected to result in an absent or disrupted protein product. Loss-of-function variants in NF1 are known to be pathogenic (PMID: 10712197, 23913538).

Laboratory of Medical Genetics, National & Kapodistrian University of Athens
Classification: Pathogenic for Neurofibromatosis, type 1. Last evaluated: 2020-01-01. Review status: no assertion criteria provided. Collection method: clinical testing. Allele origin: germline. Affected: yes. Not counted in ClinVar's aggregate classification.

Literature cited by the submitters: PubMed 10712197 (cited by Labcorp Genetics (formerly Invitae), Labcorp); PubMed 23913538 (cited by Labcorp Genetics (formerly Invitae), Labcorp).

NM_001042492.3(NF1):c.1920del (p.Ser641fs)

Gene: NF1 (neurofibromin 1; plus strand). Cytogenetic location: 17q11.2.
Variant type: Deletion.
Coding change: c.1920del on transcript NM_001042492.3 (MANE Select); coding-DNA position 1920, one base deleted (C; older notation c.1920delC).
Protein change: p.Ser641fs; shifts the reading frame from serine 641.
Molecular consequence: frameshift variant.
Genome position (GRCh38, 1-based): chr17:31,225,169, C deleted; the last of 2 consecutive C bases (chr17:31,225,168-31,225,169); deleting either gives the same sequence. VCF-style (leftmost placement, unchanged base first): chr17-31225167-AC-A. GRCh37 (hg19) VCF-style: chr17-29552185-AC-A.
Other names: c.1920delC, p.Ser641Valfs (NM_000267.4); c.1920delC (NM_001042492.3); short protein forms S641fs.
Identifiers: ClinVar variation 1048683 (VCV001048683.4), dbSNP rs2144026762, ClinGen allele CA2499224037.